The following is an entry in ClinVar:

NM_031844.3(HNRNPU):c.504GCA[4] (p.Gln172_Pro173insGln)

Gene: HNRNPU (heterogeneous nuclear ribonucleoprotein U; minus strand). Cytogenetic location: 1q44.
Variant type: Microsatellite.
Coding change: c.504GCA[4] on transcript NM_031844.3 (MANE Select); four copies in a row of the 3-base unit GCA starting at c.504; the reference has three copies in a row; one copy, 3 bases duplicated.
Protein change: p.Gln172_Pro173insGln.
Molecular consequence: inframe insertion.
Genome position (GRCh38, 1-based): chr1:244,863,796-244,863,798, TGC duplicated on the plus strand (GCA on the coding strand, the reverse complement: HNRNPU is on the minus strand); duplicating any 3 consecutive bases within chr1:244,863,796-244,863,804 gives the same sequence; the position shown is the placement nearest the transcript's 3' end. VCF-style (leftmost placement, unchanged base first): chr1-244863795-T-TTGC. GRCh37 (hg19) VCF-style: chr1-245027097-T-TTGC.
Other names: c.504GCA[4], p.Gln172_Pro173insGln (NM_004501.3).
Identifiers: ClinVar variation 4712366 (VCV004712366.1).

ClinVar aggregate classification (germline): Uncertain significance (1 of 4 stars; one submission).

Conditions:
Developmental and epileptic encephalopathy, 54. Also called: HNRNPU-Related Neurodevelopmental Disorder; Epileptic encephalopathy, early infantile, 54. Identifiers: MedGen C4479319, MONDO:0033363, OMIM 617391.

Submission:

Labcorp Genetics (formerly Invitae), Labcorp
Classification: Uncertain significance for Developmental and epileptic encephalopathy, 54. Last evaluated: 2025-04-01. Review status: criteria provided, single submitter. Criteria: Invitae Variant Classification Sherloc (09022015). Collection method: clinical testing. Allele origin: germline.
Comment: This variant, c.510_512dup, results in the insertion of 1 amino acid(s) of the HNRNPU protein (p.Gln172dup), but otherwise preserves the integrity of the reading frame. This variant is not present in population databases (gnomAD no frequency). This variant has not been reported in the literature in individuals affected with HNRNPU-related conditions. In summary, the available evidence is currently insufficient to determine the role of this variant in disease. Therefore, it has been classified as a Variant of Uncertain Significance.